The following is an entry in ClinVar:

ClinVar aggregate classification (germline): Conflicting classifications of pathogenicity. Review status: criteria provided, conflicting classifications (1 of 4 stars). 7 submissions from 7 submitters: Uncertain significance (2); Likely benign (3). 2 of the submissions do not count toward it. Last evaluated 2026-06-01.

Conditions:
Cardiovascular phenotype. Identifiers: MedGen CN230736.
Hypertrophic cardiomyopathy 14. Identifiers: MedGen C2750467, MONDO:0013197, OMIM 613251.
Hemiplegia. Identifiers: MedGen C0018991, MONDO:0001170, HP:0002301.
Migraine. Also called: Migraine disorder. Identifiers: MedGen C0149931, MONDO:0005277, HP:0002076.
Primary dilated cardiomyopathy (DCM). Also called: Dilated Cardiomyopathy. Identifiers: Orphanet 217604, MedGen C0007193, MeSH D002311, MONDO:0005021, HP:0001644. Inheritance: Various modes of inheritance.

Allele frequency attached by ClinVar (database versions not stated): TOPMed 0.00003; 1000 Genomes Project 0.00020; gnomAD 0.00022; 1000 Genomes Project 30x 0.00031.

Submissions (7):

CeGaT Center for Human Genetics Tuebingen
Classification: Likely benign. Last evaluated: 2026-06-01. Review status: criteria provided, single submitter. Criteria: CeGaT Center For Human Genetics Tuebingen Variant Classification Criteria Version 2. Collection method: clinical testing. Allele origin: germline. Affected: yes. Observed: 1 variant allele.
Comment: MYH6: BS1

Labcorp Genetics (formerly Invitae), Labcorp
Classification: Likely benign for Hypertrophic cardiomyopathy 14. Last evaluated: 2025-12-15. Review status: criteria provided, single submitter. Criteria: Invitae Variant Classification Sherloc (09022015). Collection method: clinical testing. Allele origin: germline.

GeneDx
Classification: Uncertain significance. Last evaluated: 2023-07-26. Review status: criteria provided, single submitter. Criteria: GeneDx Variant Classification Process June 2021. Collection method: clinical testing. Allele origin: germline. Affected: yes.
Comment: In silico analysis supports that this missense variant has a deleterious effect on protein structure/function; Has not been previously published as pathogenic or benign to our knowledge

Ambry Genetics
Classification: Likely benign for Cardiovascular phenotype. Last evaluated: 2020-04-29. Review status: criteria provided, single submitter. Criteria: Ambry Variant Classification Scheme 2023. Collection method: clinical testing. Allele origin: germline.

Centre for Mendelian Genomics, University Medical Centre Ljubljana
Classification: Uncertain significance for Primary dilated cardiomyopathy; Hemiplegia; Migraine. Last evaluated: 2014-11-24. Review status: criteria provided, single submitter. Criteria: ACMG Guidelines, 2015. Collection method: clinical testing. Allele origin: unknown. Affected: yes.

Genome Diagnostics Laboratory, University Medical Center Utrecht
Classification: Likely benign. Review status: no assertion criteria provided. Collection method: clinical testing. Allele origin: germline. Affected: yes. Study: VKGL Data-share Consensus. Not counted in ClinVar's aggregate classification.

Joint Genome Diagnostic Labs from Nijmegen and Maastricht, Radboudumc and MUMC+
Classification: Likely benign. Review status: no assertion criteria provided. Collection method: clinical testing. Allele origin: germline. Affected: yes. Study: VKGL Data-share Consensus. Not counted in ClinVar's aggregate classification.

NM_002471.4(MYH6):c.4594C>T (p.Arg1532Cys)

Gene: MYH6 (myosin heavy chain 6; minus strand). Cytogenetic location: 14q11.2.
Variant type: single nucleotide variant.
Coding change: c.4594C>T on transcript NM_002471.4 (MANE Select); coding-DNA position 4594, C replaced by T.
Protein change: p.Arg1532Cys; replaces arginine 1532 with cysteine.
Molecular consequence: missense variant.
Genome position (GRCh38, 1-based): chr14:23,387,585, G>A on the plus strand (C>T on the coding strand, the complement: MYH6 is on the minus strand). VCF-style: chr14-23387585-G-A. GRCh37 (hg19) VCF-style: chr14-23856794-G-A.
Other names: short protein forms R1532C.
Identifiers: ClinVar variation 239175 (VCV000239175.21), dbSNP rs201827489, ClinGen allele CA7114709.